The following is an entry in ClinVar:

ClinVar aggregate classification (germline): Uncertain significance (1 of 4 stars; one submission).

Conditions:
Hereditary cancer-predisposing syndrome. Also called: Hereditary neoplastic syndrome; Hereditary Cancer Syndrome; Neoplastic Syndromes, Hereditary; Tumor predisposition. Identifiers: Orphanet 140162, MedGen C0027672, MeSH D009386, MONDO:0015356.

gnomAD v4.1: 1 of 1,613,864 alleles (0.000062%); highest among the groups gnomAD compares: Non-Finnish European, 0.000085%; no homozygotes.

Submission:

Color Diagnostics, LLC DBA Color Health
Classification: Uncertain significance for Hereditary cancer-predisposing syndrome. Last evaluated: 2024-03-07. Review status: criteria provided, single submitter. Criteria: ACMG Guidelines, 2015. Collection method: clinical testing. Allele origin: germline.
Comment: This missense variant replaces threonine with serine at codon 2308 of the APC protein. Computational prediction suggests that this variant may not impact protein structure and function (internally defined REVEL score threshold <= 0.5, PMID: 27666373). To our knowledge, functional studies have not been reported for this variant. This variant has not been reported in individuals affected with hereditary cancer in the literature. This variant has not been identified in the general population by the Genome Aggregation Database (gnomAD). The available evidence is insufficient to determine the role of this variant in disease conclusively. Therefore, this variant is classified as a Variant of Uncertain Significance.

NM_000038.6(APC):c.6922A>T (p.Thr2308Ser)

Gene: APC (APC regulator of Wnt signaling pathway; plus strand). Cytogenetic location: 5q22.2.
Variant type: single nucleotide variant.
Coding change: c.6922A>T on transcript NM_000038.6 (MANE Select); coding-DNA position 6922, A replaced by T.
Protein change: p.Thr2308Ser; replaces threonine 2308 with serine.
Molecular consequence: missense variant. On other transcripts: non-coding transcript variant (2).
Genome position (GRCh38, 1-based): chr5:112,842,516, A>T. VCF-style: chr5-112842516-A-T. GRCh37 (hg19) VCF-style: chr5-112178213-A-T.
Other names: c.6922A>T, p.Thr2308Ser (NM_001127510.3, NM_001354895.2, NM_001407450.1); c.6868A>T, p.Thr2290Ser (NM_001127511.3); c.6976A>T, p.Thr2326Ser (NM_001354896.2, NM_001407447.1, NM_001407448.1 and 1 more transcripts); c.6952A>T, p.Thr2318Ser (NM_001354897.2); c.6847A>T, p.Thr2283Ser (NM_001354898.2); c.6838A>T, p.Thr2280Ser (NM_001354899.2); c.6799A>T, p.Thr2267Ser (NM_001354900.2); c.6745A>T, p.Thr2249Ser (NM_001354901.2, NM_001407453.1); and 11 more; short protein forms T2182S, T2283S, T2298S, T2336S, T1924S, T2217S, T2225S, T2249S.
Identifiers: ClinVar variation 2773588 (VCV002773588.2), dbSNP rs1580676346, ClinGen allele CA16036432.
Genomic context (GRCh38, chr5:112,842,516, plus strand): 5'-CAGACATCCCAAATAGGTGGGTCAAGTAAAGCACCTTCTAGATCAGGATCTAGAGATTCG[A>T]CCCCTTCAAGACCTGCCCAGCAACCATTAAGTAGACCTATACAGTCTCCTGGCCGAAACT-3'
Protein context (NP_000029.2, residues 2298-2318): APSRSGSRDS[Thr2308Ser]PSRPAQQPLS